The following is an entry in ClinVar:

NM_020975.6(RET):c.2580G>T (p.Gln860His)

Gene: RET (ret proto-oncogene; plus strand). Cytogenetic location: 10q11.21.
Variant type: single nucleotide variant.
Coding change: c.2580G>T on transcript NM_020975.6 (MANE Select); coding-DNA position 2580, G replaced by T.
Protein change: p.Gln860His; replaces glutamine 860 with histidine.
Molecular consequence: missense variant.
Genome position (GRCh38, 1-based): chr10:43,119,718, G>T. VCF-style: chr10-43119718-G-T. GRCh37 (hg19) VCF-style: chr10-43615166-G-T.
Other names: c.2580G>T, p.Gln860His (NM_000323.2, NM_001406743.1, NM_001406744.1 and 4 more transcripts); c.1818G>T, p.Gln606His (NM_001355216.2); c.2451G>T, p.Gln817His (NM_001406761.1, NM_001406762.1, NM_001406764.1); c.2445G>T, p.Gln815His (NM_001406763.1, NM_001406765.1); c.2292G>T, p.Gln764His (NM_001406766.1, NM_001406767.1, NM_001406770.1); c.2316G>T, p.Gln772His (NM_001406768.1); c.2184G>T, p.Gln728His (NM_001406769.1, NM_001406772.1); c.2142G>T, p.Gln714His (NM_001406771.1, NM_001406773.1); and 10 more; short protein forms Q377H, Q425H, Q465H, Q516H, Q518H, Q521H, Q530H, Q561H.
Identifiers: ClinVar variation 3227534 (VCV003227534.2), dbSNP rs886046988, ClinGen allele CA376556716.

ClinVar aggregate classification (germline): Uncertain significance. Review status: criteria provided, multiple submitters, no conflicts (2 of 4 stars). 2 submissions from 2 submitters: Uncertain significance (2). Last evaluated 2025-07-14.

Conditions:
Multiple endocrine neoplasia, type 2 (MEN2). Identifiers: Orphanet 653, MedGen C4048306, MONDO:0019003. Disease mechanism: gain of function.
Hereditary cancer-predisposing syndrome. Also called: Neoplastic Syndromes, Hereditary; Tumor predisposition; Hereditary neoplastic syndrome; Hereditary Cancer Syndrome. Identifiers: Orphanet 140162, MedGen C0027672, MeSH D009386, MONDO:0015356.

Submissions (2):

Color Diagnostics, LLC DBA Color Health
Classification: Uncertain significance for Multiple endocrine neoplasia, type 2. Last evaluated: 2025-07-14. Review status: criteria provided, single submitter. Criteria: ACMG Guidelines, 2015. Collection method: clinical testing. Allele origin: germline.
Comment: This missense variant replaces glutamine with histidine at codon 860 of the RET protein. Computational prediction suggests that this variant may not impact protein structure and function. To our knowledge, functional studies have not been reported for this variant. This variant has not been reported in individuals affected with RET-related disorders in the literature. This variant has not been identified in the general population by the Genome Aggregation Database (gnomAD). The available evidence is insufficient to determine the role of this variant in disease conclusively. Therefore, this variant is classified as a Variant of Uncertain Significance.

Ambry Genetics
Classification: Uncertain significance for Hereditary cancer-predisposing syndrome. Last evaluated: 2023-10-22. Review status: criteria provided, single submitter. Criteria: Ambry Variant Classification Scheme 2023. Collection method: clinical testing. Allele origin: germline.
Comment: The p.Q860H variant (also known as c.2580G>T), located in coding exon 14 of the RET gene, results from a G to T substitution at nucleotide position 2580. The glutamine at codon 860 is replaced by histidine, an amino acid with highly similar properties. This amino acid position is conserved. In addition, the in silico prediction for this alteration is inconclusive. Since supporting evidence is limited at this time, the clinical significance of this alteration remains unclear.